The following is an entry in ClinVar:

NM_000275.3(OCA2):c.1636+2T>A

Gene: OCA2 (OCA2 melanosomal transmembrane protein; minus strand). Cytogenetic location: 15q13.1.
Variant type: single nucleotide variant.
Coding change: c.1636+2T>A on transcript NM_000275.3 (MANE Select); the canonical splice donor site of the intron after coding-DNA position 1636, T replaced by A.
Molecular consequence: splice donor variant.
Genome position (GRCh38, 1-based): chr15:27,966,688, A>T on the plus strand (T>A on the coding strand, the complement: OCA2 is on the minus strand). VCF-style: chr15-27966688-A-T. GRCh37 (hg19) VCF-style: chr15-28211834-A-T.
Other names: c.1564+2T>A (NM_001300984.2).
Identifiers: ClinVar variation 2867303 (VCV002867303.3), dbSNP rs2506824551, ClinGen allele CA391356938.

ClinVar aggregate classification (germline): Likely pathogenic (1 of 4 stars; one submission).

Submission:

Labcorp Genetics (formerly Invitae), Labcorp
Classification: Likely pathogenic. Last evaluated: 2023-05-23. Review status: criteria provided, single submitter. Criteria: Invitae Variant Classification Sherloc (09022015). Collection method: clinical testing. Allele origin: germline.
Comment: In summary, the currently available evidence indicates that the variant is pathogenic, but additional data are needed to prove that conclusively. Therefore, this variant has been classified as Likely Pathogenic. Algorithms developed to predict the effect of sequence changes on RNA splicing suggest that this variant may disrupt the consensus splice site. This variant has not been reported in the literature in individuals affected with OCA2-related conditions. This variant is not present in population databases (gnomAD no frequency). This sequence change affects a donor splice site in intron 15 of the OCA2 gene. It is expected to disrupt RNA splicing. Variants that disrupt the donor or acceptor splice site typically lead to a loss of protein function (PMID: 16199547), and loss-of-function variants in OCA2 are known to be pathogenic (PMID: 19865097, 21541274).

Literature cited by the submitters: PubMed 16199547; PubMed 19865097; PubMed 21541274.